The following is an entry in ClinVar:

NM_000875.5(IGF1R):c.280G>A (p.Glu94Lys)

Gene: IGF1R (insulin like growth factor 1 receptor; plus strand). Cytogenetic location: 15q26.3.
Variant type: single nucleotide variant.
Coding change: c.280G>A on transcript NM_000875.5 (MANE Select); coding-DNA position 280, G replaced by A.
Protein change: p.Glu94Lys; replaces glutamic acid 94 with lysine.
Molecular consequence: missense variant.
Genome position (GRCh38, 1-based): chr15:98,707,747, G>A. VCF-style: chr15-98707747-G-A. GRCh37 (hg19) VCF-style: chr15-99250976-G-A.
Other names: c.280G>A, p.Glu94Lys (NM_001291858.2); short protein forms E94K.
Identifiers: ClinVar variation 2580693 (VCV002580693.2), dbSNP rs776250673, ClinGen allele CA7751773.

ClinVar aggregate classification (germline): Uncertain significance (1 of 4 stars; one submission).

Allele frequency attached by ClinVar (database versions not stated): ExAC 0.00001.
gnomAD v4.1: 5 of 1,614,136 alleles (0.00031%); highest among the groups gnomAD compares: South Asian, 0.0011%; no homozygotes.

Submission:

GeneDx
Classification: Uncertain significance. Last evaluated: 2024-04-16. Review status: criteria provided, single submitter. Criteria: GeneDx Variant Classification Process June 2021. Collection method: clinical testing. Allele origin: germline.
Comment: Not observed at significant frequency in large population cohorts (gnomAD); In silico analysis supports that this missense variant does not alter protein structure/function; Has not been previously published as pathogenic or benign to our knowledge